The following is an entry in ClinVar:

NM_001378418.1(TCF20):c.3038C>T (p.Ala1013Val)

Gene: TCF20 (transcription factor 20; minus strand). Cytogenetic location: 22q13.2.
Variant type: single nucleotide variant.
Coding change: c.3038C>T on transcript NM_001378418.1 (MANE Select); coding-DNA position 3038, C replaced by T.
Protein change: p.Ala1013Val; replaces alanine 1013 with valine.
Molecular consequence: missense variant.
Genome position (GRCh38, 1-based): chr22:42,212,268, G>A on the plus strand (C>T on the coding strand, the complement: TCF20 is on the minus strand). VCF-style: chr22-42212268-G-A. GRCh37 (hg19) VCF-style: chr22-42608274-G-A.
Other names: c.3038C>T, p.Ala1013Val (NM_005650.4, NM_181492.3); short protein forms A1013V.
Identifiers: ClinVar variation 2653250 (VCV002653250.24), dbSNP rs867676368, ClinGen allele CA324700470.

ClinVar aggregate classification (germline): Likely benign (1 of 4 stars; one submission).

Allele frequency attached by ClinVar (database versions not stated): gnomAD exomes below 0.00001.
gnomAD v4.1: 9 of 1,614,150 alleles (0.00056%); highest among the groups gnomAD compares: Middle Eastern, 0.049%; no homozygotes.

Submission:

CeGaT Center for Human Genetics Tuebingen
Classification: Likely benign. Last evaluated: 2024-06-01. Review status: criteria provided, single submitter. Criteria: CeGaT Center For Human Genetics Tuebingen Variant Classification Criteria Version 2. Collection method: clinical testing. Allele origin: germline. Affected: yes. Observed: 3 variant alleles.
Comment: TCF20: BP4